The following is an entry in ClinVar:

ClinVar aggregate classification (germline): Uncertain significance (1 of 4 stars; one submission).

Allele frequency attached by ClinVar (database versions not stated): TOPMed 0.00002; ExAC 0.00003; gnomAD exomes 0.00003; gnomAD 0.00004; ESP Exome Variant Server 0.00015.
gnomAD v4.1: 48 of 1,614,028 alleles (0.003%); highest among the groups gnomAD compares: Middle Eastern, 0.016%; no homozygotes.

Submission:

Labcorp Genetics (formerly Invitae), Labcorp
Classification: Uncertain significance. Last evaluated: 2022-06-03. Review status: criteria provided, single submitter. Criteria: Invitae Variant Classification Sherloc (09022015). Collection method: clinical testing. Allele origin: germline.
Comment: Algorithms developed to predict the effect of missense changes on protein structure and function are either unavailable or do not agree on the potential impact of this missense change (SIFT: "Not Available"; PolyPhen-2: "Possibly Damaging"; Align-GVGD: "Not Available"). In summary, the available evidence is currently insufficient to determine the role of this variant in disease. Therefore, it has been classified as a Variant of Uncertain Significance. This variant has not been reported in the literature in individuals affected with ADAMTS18-related conditions. This sequence change replaces glycine, which is neutral and non-polar, with arginine, which is basic and polar, at codon 584 of the ADAMTS18 protein (p.Gly584Arg). This variant is present in population databases (rs149189203, gnomAD 0.006%).

NM_199355.4(ADAMTS18):c.1750G>A (p.Gly584Arg)

Gene: ADAMTS18 (ADAM metallopeptidase with thrombospondin type 1 motif 18; minus strand). Cytogenetic location: 16q23.1.
Variant type: single nucleotide variant.
Coding change: c.1750G>A on transcript NM_199355.4 (MANE Select); coding-DNA position 1750, G replaced by A.
Protein change: p.Gly584Arg; replaces glycine 584 with arginine.
Molecular consequence: missense variant.
Genome position (GRCh38, 1-based): chr16:77,335,865, C>T on the plus strand (G>A on the coding strand, the complement: ADAMTS18 is on the minus strand). VCF-style: chr16-77335865-C-T. GRCh37 (hg19) VCF-style: chr16-77369762-C-T.
Other names: c.1234G>A, p.Gly412Arg (NM_001326358.2); short protein forms G412R, G584R.
Identifiers: ClinVar variation 1935877 (VCV001935877.4), dbSNP rs149189203, ClinGen allele CA8181172.
Genomic context (GRCh38, chr16:77,335,865, plus strand): 5'-TCCGGGAACATTCTGACCACTTCGACCAGGCGGACCACTGGCCGTGGATGGGCCGGGGCC[C>T]GAGCTCCCCAAACTTTACGCACTGGCCTTGCCGACACCACTGTGAAAAGAACGTGTAAGA-3'
Protein context (NP_955387.1, residues 574-594): QGQCVKFGEL[Gly584Arg]PRPIHGQWSA